The following is an entry in ClinVar:

ClinVar aggregate classification (germline): Benign/Likely benign. Review status: criteria provided, multiple submitters, no conflicts (2 of 4 stars). 7 submissions from 7 submitters: Benign (2); Likely benign (3). 2 of the submissions do not count toward it. Last evaluated 2026-01-06.

Conditions:
Familial juvenile hyperuricemic nephropathy type 1 (ADTKD1). Also called: Glomerulocystic kidney disease with hyperuricemia and isosthenuria; Medullary cystic kidney disease 2; Autosomal Dominant Tubulointerstitial Kidney Disease – UMOD; UMOD-Associated Kidney Disease; Uromodulin-associated kidney disease. Identifiers: Orphanet 209886, Orphanet 34149, Orphanet 88950, MedGen C4551496, MONDO:0008073, OMIM 162000.

Allele frequency attached by ClinVar (database versions not stated): gnomAD exomes 0.00014 and 0.00052; TOPMed 0.00035; gnomAD 0.00037 and 0.00051; ExAC 0.00040; 1000 Genomes Project 30x 0.00312; 1000 Genomes Project 0.00339.
gnomAD v4.1: 364 of 1,613,954 alleles (0.023%); highest among the groups gnomAD compares: East Asian, 0.41%; 2 homozygotes.

Submissions (7):

Labcorp Genetics (formerly Invitae), Labcorp
Classification: Benign. Last evaluated: 2026-01-06. Review status: criteria provided, single submitter. Criteria: Invitae Variant Classification Sherloc (09022015). Collection method: clinical testing. Allele origin: germline.

CeGaT Center for Human Genetics Tuebingen
Classification: Likely benign. Last evaluated: 2025-11-01. Review status: criteria provided, single submitter. Criteria: CeGaT Center For Human Genetics Tuebingen Variant Classification Criteria Version 2. Collection method: clinical testing. Allele origin: germline. Affected: yes. Observed: 1 variant allele.
Comment: UMOD: BP4, BP7

Mayo Clinic Laboratories, Mayo Clinic
Classification: Likely benign. Last evaluated: 2025-03-28. Review status: criteria provided, single submitter. Criteria: ACMG Guidelines, 2015. Collection method: clinical testing. Allele origin: germline. Observed: 1 variant allele.
Comment: BS1, BP4, BP7

Blueprint Genetics
Classification: Likely benign. Last evaluated: 2024-11-05. Review status: criteria provided, single submitter. Criteria: ACMG Guidelines, 2015. Collection method: clinical testing. Allele origin: germline.

Fulgent Genetics
Classification: Benign for Familial juvenile hyperuricemic nephropathy type 1. Last evaluated: 2021-07-30. Review status: criteria provided, single submitter. Criteria: ACMG Guidelines, 2015. Collection method: clinical testing. Allele origin: unknown.

Clinical Genetics DNA and cytogenetics Diagnostics Lab, Erasmus MC, Erasmus Medical Center
Classification: Likely benign. Review status: no assertion criteria provided. Collection method: clinical testing. Allele origin: germline. Affected: yes. Study: VKGL Data-share Consensus. Not counted in ClinVar's aggregate classification.

Joint Genome Diagnostic Labs from Nijmegen and Maastricht, Radboudumc and MUMC+
Classification: Benign. Review status: no assertion criteria provided. Collection method: clinical testing. Allele origin: germline. Affected: yes. Study: VKGL Data-share Consensus. Not counted in ClinVar's aggregate classification.

NM_003361.4(UMOD):c.1500A>G (p.Ala500=)

Gene: UMOD (uromodulin; minus strand). Cytogenetic location: 16p12.3.
Variant type: single nucleotide variant.
Coding change: c.1500A>G on transcript NM_003361.4 (MANE Select); coding-DNA position 1500, A replaced by G.
Protein change: p.Ala500=; no amino-acid change (alanine 500 retained).
Molecular consequence: synonymous variant. On other transcripts: non-coding transcript variant (1).
Genome position (GRCh38, 1-based): chr16:20,341,168, T>C on the plus strand (A>G on the coding strand, the complement: UMOD is on the minus strand). VCF-style: chr16-20341168-T-C. GRCh37 (hg19) VCF-style: chr16-20352490-T-C.
Other names: p.Ala500=; c.1500A>G, p.Ala500= (NM_001008389.3, NM_001378232.1, NM_001378233.1); c.1599A>G, p.Ala533= (NM_001278614.2); c.1641A>G, p.Ala547= (NM_001378234.1, NM_001378235.1).
Identifiers: ClinVar variation 318286 (VCV000318286.39), dbSNP rs200895986, ClinGen allele CA7939119.